The following is an entry in ClinVar:

NM_001035.3(RYR2):c.3237C>T (p.Ser1079=)

Gene: RYR2 (ryanodine receptor 2; plus strand). Cytogenetic location: 1q43.
Variant type: single nucleotide variant.
Coding change: c.3237C>T on transcript NM_001035.3 (MANE Select); coding-DNA position 3237, C replaced by T.
Protein change: p.Ser1079=; no amino-acid change (serine 1079 retained).
Molecular consequence: synonymous variant.
Genome position (GRCh38, 1-based): chr1:237,566,589, C>T. VCF-style: chr1-237566589-C-T. GRCh37 (hg19) VCF-style: chr1-237729889-C-T.
Identifiers: ClinVar variation 923512 (VCV000923512.12), dbSNP rs770116364, ClinGen allele CA086340.

ClinVar aggregate classification (germline): Likely benign. Review status: criteria provided, multiple submitters, no conflicts (2 of 4 stars). 3 submissions from 3 submitters: Likely benign (3). Last evaluated 2025-06-03.

Conditions:
Catecholaminergic polymorphic ventricular tachycardia (CVPT). Also called: Catecholamine-induced polymorphic ventricular tachycardia. Identifiers: Orphanet 3286, MedGen C5574922, MONDO:0017990.
Catecholaminergic polymorphic ventricular tachycardia 1. Also called: VENTRICULAR TACHYCARDIA, CATECHOLAMINERGIC POLYMORPHIC, 1, WITH OR WITHOUT ATRIAL DYSFUNCTION AND/OR DILATED CARDIOMYOPATHY; RYR2-Related Catecholaminergic Polymorphic Ventricular Tachycardia; VENTRICULAR TACHYCARDIA, STRESS-INDUCED POLYMORPHIC 1. Identifiers: Orphanet 3286, MedGen C1631597, MONDO:0011484, OMIM 604772.
Cardiomyopathy (CMYO). Also called: Cardiomyopathies. Identifiers: Orphanet 167848, MedGen C0878544, MONDO:0004994, HP:0001638. Inheritance: Various modes of inheritance.

Allele frequency attached by ClinVar (database versions not stated): gnomAD exomes below 0.00001 and 0.00001; ExAC 0.00001; gnomAD 0.00002; TOPMed 0.00002.
gnomAD v4.1: 17 of 1,613,776 alleles (0.0011%); highest among the groups gnomAD compares: East Asian, 0.0089%; no homozygotes.

Submissions (3):

Labcorp Genetics (formerly Invitae), Labcorp
Classification: Likely benign for Catecholaminergic polymorphic ventricular tachycardia 1. Last evaluated: 2025-06-03. Review status: criteria provided, single submitter. Criteria: Invitae Variant Classification Sherloc (09022015). Collection method: clinical testing. Allele origin: germline.

All of Us Research Program, National Institutes of Health
Classification: Likely benign for Catecholaminergic polymorphic ventricular tachycardia. Last evaluated: 2023-04-03. Review status: criteria provided, single submitter. Criteria: ACMG Guidelines, 2015. Collection method: clinical testing. Allele origin: germline. Inheritance: Autosomal dominant inheritance. Observed: 1 variant allele, 1 heterozygote.
Comment: This study involves interpretation of variants in research participants for the purpose of population health screening. Participant phenotype was not available at the time of variant classification. Additional details can be found in publication PMID: 35346344, PMCID: PMC8962531

Color Diagnostics, LLC DBA Color Health
Classification: Likely benign for Cardiomyopathy. Last evaluated: 2019-10-22. Review status: criteria provided, single submitter. Criteria: ACMG Guidelines, 2015. Collection method: clinical testing. Allele origin: germline.